The following is an entry in ClinVar:

ClinVar aggregate classification (germline): Uncertain significance (1 of 4 stars; one submission).

Allele frequency attached by ClinVar (database versions not stated): ExAC 0.00002; gnomAD exomes 0.00001.
gnomAD v4.1: 8 of 1,613,740 alleles (0.0005%); highest among the groups gnomAD compares: Non-Finnish European, 0.00068%; no homozygotes.

Submission:

Labcorp Genetics (formerly Invitae), Labcorp
Classification: Uncertain significance. Last evaluated: 2025-12-15. Review status: criteria provided, single submitter. Criteria: Invitae Variant Classification Sherloc (09022015). Collection method: clinical testing. Allele origin: germline.
Comment: This sequence change replaces threonine, which is neutral and polar, with serine, which is neutral and polar, at codon 176 of the FLRT3 protein (p.Thr176Ser). This variant is present in population databases (rs766078809, gnomAD 0.002%). This variant has not been reported in the literature in individuals affected with FLRT3-related conditions. ClinVar contains an entry for this variant (Variation ID: 2988548). Invitae Evidence Modeling of protein sequence and biophysical properties (such as structural, functional, and spatial information, amino acid conservation, physicochemical variation, residue mobility, and thermodynamic stability) indicates that this missense variant is not expected to disrupt FLRT3 protein function with a negative predictive value of 80%. In summary, the available evidence is currently insufficient to determine the role of this variant in disease. Therefore, it has been classified as a Variant of Uncertain Significance.

NM_198391.3(FLRT3):c.526A>T (p.Thr176Ser)

Genes: FLRT3 (fibronectin leucine rich transmembrane protein 3; minus strand), MACROD2 (mono-ADP ribosylhydrolase 2; plus strand). Cytogenetic location: 20p12.1.
Variant type: single nucleotide variant.
Coding change: c.526A>T on transcript NM_198391.3 (MANE Select); coding-DNA position 526, A replaced by T.
Protein change: p.Thr176Ser; replaces threonine 176 with serine.
Molecular consequence: missense variant. On other transcripts: intron variant (3).
Genome position (GRCh38, 1-based): chr20:14,326,981, T>A on the plus strand (A>T on the coding strand, the complement: FLRT3 is on the minus strand). VCF-style: chr20-14326981-T-A. GRCh37 (hg19) VCF-style: chr20-14307627-T-A.
Other names: c.526A>T, p.Thr176Ser (NM_013281.4); c.272-166498T>A (NM_001351661.2, NM_001351663.2, NM_080676.6); short protein forms T176S.
Identifiers: ClinVar variation 2988548 (VCV002988548.3), dbSNP rs766078809, ClinGen allele CA9769024.